The following is an entry in ClinVar:

NM_001723.7(DST):c.11G>C (p.Ser4Thr)

Gene: DST (dystonin; minus strand). Cytogenetic location: 6p12.1.
Variant type: single nucleotide variant.
Coding change: c.11G>C on transcript NM_001723.7 (MANE Plus Clinical); coding-DNA position 11, G replaced by C.
Protein change: p.Ser4Thr; replaces serine 4 with threonine.
Molecular consequence: missense variant. On other transcripts: intron variant (9).
Genome position (GRCh38, 1-based): chr6:56,642,778, C>G on the plus strand (G>C on the coding strand, the complement: DST is on the minus strand). VCF-style: chr6-56642778-C-G. GRCh37 (hg19) VCF-style: chr6-56507576-C-G.
Other names: c.11G>C, p.Ser4Thr (NM_015548.5); c.1680-275G>C (NM_001144769.5); c.1779-275G>C (NM_001374722.1, NM_001374736.1); c.1806-275G>C (NM_001374734.1); c.1266-275G>C (NM_001144770.2); c.1146-275G>C (NM_001374730.1, NM_001386100.1, NM_183380.4 and 1 more transcripts); short protein forms S4T.
Identifiers: ClinVar variation 1000054 (VCV001000054.6), dbSNP rs2098919327, ClinGen allele CA364615739.
Genomic context (GRCh38, chr6:56,642,778, plus strand): 5'-CTGGTTCGAGTGCTGGTAGTGTTACTAAACACAGAATCACTGCTACGGTAACTATAACTA[C>G]TACTGTGCATTTTTATTCCTGAAACGATGTTCTTTCTTTCACCTTTCAAAGTAGACTAAA-3'
Protein context (NP_001714.1, residues 1-14): MHS[Ser4Thr]SYSYRSSDSV

ClinVar aggregate classification (germline): Uncertain significance (1 of 4 stars; one submission).

Conditions:
Epidermolysis bullosa simplex 3, localized or generalized intermediate, with BP230 deficiency (EBS3). Also called: Epidermolysis bullosa simplex, autosomal recessive 2; Epidermolysis bullosa simplex due to BP230 deficiency. Identifiers: Orphanet 412181, MedGen C3809470, MONDO:0014180, OMIM 615425.
Hereditary sensory and autonomic neuropathy type 6. Also called: HSAN VI; Neuropathy, hereditary sensory and autonomic, type VI. Identifiers: Orphanet 314381, MedGen C3539003, MONDO:0013839, OMIM 614653.

Allele frequency attached by ClinVar (database versions not stated): gnomAD exomes 0.00001.
gnomAD v4.1: 13 of 1,614,016 alleles (0.00081%); highest among the groups gnomAD compares: Non-Finnish European, 0.0011%; no homozygotes.

Submission:

Labcorp Genetics (formerly Invitae), Labcorp
Classification: Uncertain significance for Epidermolysis bullosa simplex 3, localized or generalized intermediate, with BP230 deficiency; Hereditary sensory and autonomic neuropathy type 6. Last evaluated: 2021-08-27. Review status: criteria provided, single submitter. Criteria: Invitae Variant Classification Sherloc (09022015). Collection method: clinical testing. Allele origin: germline.
Comment: This sequence change replaces serine with threonine at codon 4 of the DST protein (p.Ser4Thr). The serine residue is weakly conserved and there is a small physicochemical difference between serine and threonine. This variant is not present in population databases (ExAC no frequency). This variant has not been reported in the literature in individuals affected with DST-related conditions. Algorithms developed to predict the effect of missense changes on protein structure and function (SIFT, PolyPhen-2, Align-GVGD) all suggest that this variant is likely to be tolerated. In summary, the available evidence is currently insufficient to determine the role of this variant in disease. Therefore, it has been classified as a Variant of Uncertain Significance.